The following is an entry in ClinVar:

NM_024996.7(GFM1):c.62T>C (p.Leu21Pro)

Gene: GFM1 (G elongation factor mitochondrial 1; plus strand). Cytogenetic location: 3q25.32.
Variant type: single nucleotide variant.
Coding change: c.62T>C on transcript NM_024996.7 (MANE Select); coding-DNA position 62, T replaced by C.
Protein change: p.Leu21Pro; replaces leucine 21 with proline.
Molecular consequence: missense variant. On other transcripts: 5 prime UTR variant (4), non-coding transcript variant (4).
Genome position (GRCh38, 1-based): chr3:158,644,696, T>C. VCF-style: chr3-158644696-T-C. GRCh37 (hg19) VCF-style: chr3-158362485-T-C.
Other names: c.62T>C, p.Leu21Pro (NM_001308164.2, NM_001308166.2, NM_001374355.1 and 2 more transcripts); c.-330T>C (NM_001374357.1); c.-168T>C (NM_001374359.1, NM_001374360.1, NM_001374361.1); short protein forms L21P.
Identifiers: ClinVar variation 1460950 (VCV001460950.3), dbSNP rs777558130, ClinGen allele CA2682194.
Genomic context (GRCh38, chr3:158,644,696, plus strand): 5'-TGAGACTCCTGGGAGCTGCAGCCGTCGCGGCTCTGGGGCGCGGAAGGGCCCCCGCCTCCC[T>C]AGGCTGGCAGAGGAAGCAGGTACCGGAGCATAGAGAGGCTAAATCGGGACCATTCCCGGA-3'
Protein context (NP_079272.4, residues 11-31): ALGRGRAPAS[Leu21Pro]GWQRKQVNWK

ClinVar aggregate classification (germline): Uncertain significance (1 of 4 stars; one submission).

Allele frequency attached by ClinVar (database versions not stated): gnomAD exomes 0.00001.
gnomAD v4.1: 11 of 1,578,670 alleles (0.0007%); highest among the groups gnomAD compares: Non-Finnish European, 0.00077%; no homozygotes.

Submission:

Labcorp Genetics (formerly Invitae), Labcorp
Classification: Uncertain significance. Last evaluated: 2022-06-05. Review status: criteria provided, single submitter. Criteria: Invitae Variant Classification Sherloc (09022015). Collection method: clinical testing. Allele origin: germline.
Comment: This sequence change replaces leucine, which is neutral and non-polar, with proline, which is neutral and non-polar, at codon 21 of the GFM1 protein (p.Leu21Pro). The frequency data for this variant in the population databases is considered unreliable, as metrics indicate poor data quality at this position in the gnomAD database. This variant has not been reported in the literature in individuals affected with GFM1-related conditions. ClinVar contains an entry for this variant (Variation ID: 1460950). Advanced modeling of protein sequence and biophysical properties (such as structural, functional, and spatial information, amino acid conservation, physicochemical variation, residue mobility, and thermodynamic stability) performed at Invitae indicates that this missense variant is not expected to disrupt GFM1 protein function. In summary, the available evidence is currently insufficient to determine the role of this variant in disease. Therefore, it has been classified as a Variant of Uncertain Significance.